The following is an entry in ClinVar:

ClinVar aggregate classification (germline): Uncertain significance (1 of 4 stars; one submission).

Submission:

Labcorp Genetics (formerly Invitae), Labcorp
Classification: Uncertain significance. Last evaluated: 2020-06-27. Review status: criteria provided, single submitter. Criteria: Invitae Variant Classification Sherloc (09022015). Collection method: clinical testing. Allele origin: germline.
Comment: This sequence change replaces alanine with valine at codon 168 of the COL9A1 protein (p.Ala168Val). The alanine residue is moderately conserved and there is a small physicochemical difference between alanine and valine. This variant is not present in population databases (ExAC no frequency). In summary, the available evidence is currently insufficient to determine the role of this variant in disease. Therefore, it has been classified as a Variant of Uncertain Significance. Experimental studies and prediction algorithms are not available or were not evaluated, and the functional significance of this variant is currently unknown. This variant has not been reported in the literature in individuals with COL9A1-related conditions.

NM_001851.6(COL9A1):c.503C>T (p.Ala168Val)

Gene: COL9A1 (collagen type IX alpha 1 chain; minus strand). Cytogenetic location: 6q13.
Variant type: single nucleotide variant.
Coding change: c.503C>T on transcript NM_001851.6 (MANE Select); coding-DNA position 503, C replaced by T.
Protein change: p.Ala168Val; replaces alanine 168 with valine.
Molecular consequence: missense variant.
Genome position (GRCh38, 1-based): chr6:70,294,360, G>A on the plus strand (C>T on the coding strand, the complement: COL9A1 is on the minus strand). VCF-style: chr6-70294360-G-A. GRCh37 (hg19) VCF-style: chr6-71004063-G-A.
Other names: c.503C>T, p.Ala168Val (NM_001377291.1); short protein forms A168V.
Identifiers: ClinVar variation 1054852 (VCV001054852.9), dbSNP rs199822035, ClinGen allele CA364671172.